The following is an entry in ClinVar:

NM_006206.6(PDGFRA):c.434C>A (p.Ser145Tyr)

Gene: PDGFRA (platelet derived growth factor receptor alpha; plus strand). Cytogenetic location: 4q12.
Variant type: single nucleotide variant.
Coding change: c.434C>A on transcript NM_006206.6 (MANE Select); coding-DNA position 434, C replaced by A.
Protein change: p.Ser145Tyr; replaces serine 145 with tyrosine.
Molecular consequence: missense variant.
Genome position (GRCh38, 1-based): chr4:54,263,733, C>A. VCF-style: chr4-54263733-C-A. GRCh37 (hg19) VCF-style: chr4-55129900-C-A.
Other names: c.434C>A, p.Ser145Tyr (NM_001347827.2, NM_001347829.2); c.509C>A, p.Ser170Tyr (NM_001347828.2); c.473C>A, p.Ser158Tyr (NM_001347830.2); short protein forms S170Y, S158Y, S145Y.
Identifiers: ClinVar variation 1739915 (VCV001739915.2), dbSNP rs2110251280, ClinGen allele CA356889818.

ClinVar aggregate classification (germline): Uncertain significance (1 of 4 stars; one submission).

Conditions:
Hereditary cancer-predisposing syndrome. Also called: Hereditary Cancer Syndrome; Hereditary neoplastic syndrome; Neoplastic Syndromes, Hereditary; Tumor predisposition. Identifiers: Orphanet 140162, MedGen C0027672, MeSH D009386, MONDO:0015356.

Submission:

Ambry Genetics
Classification: Uncertain significance for Hereditary cancer-predisposing syndrome. Last evaluated: 2022-07-27. Review status: criteria provided, single submitter. Criteria: Ambry Variant Classification Scheme 2023. Collection method: clinical testing. Allele origin: germline.
Comment: The p.S145Y variant (also known as c.434C>A), located in coding exon 3 of the PDGFRA gene, results from a C to A substitution at nucleotide position 434. The serine at codon 145 is replaced by tyrosine, an amino acid with dissimilar properties. This amino acid position is conserved. In addition, this alteration is predicted to be tolerated by in silico analysis. Since supporting evidence is limited at this time, the clinical significance of this alteration remains unclear.